The following is an entry in ClinVar:

NM_022124.6(CDH23):c.2746G>A (p.Asp916Asn)

Gene: CDH23 (cadherin related 23; plus strand). Cytogenetic location: 10q22.1.
Variant type: single nucleotide variant.
Coding change: c.2746G>A on transcript NM_022124.6 (MANE Select); coding-DNA position 2746, G replaced by A.
Protein change: p.Asp916Asn; replaces aspartic acid 916 with asparagine.
Molecular consequence: missense variant.
Genome position (GRCh38, 1-based): chr10:71,704,923, G>A. VCF-style: chr10-71704923-G-A. GRCh37 (hg19) VCF-style: chr10-73464680-G-A.
Other names: p.Asp916Asn; c.2746G>A, p.Asp916Asn (NM_001171930.2, NM_001171931.2); c.2746G>A (NM_022124.5); short protein forms D916N.
Identifiers: ClinVar variation 1711085 (VCV001711085.12), dbSNP rs1318444606, ClinGen allele CA377139449.

ClinVar aggregate classification (germline): Conflicting classifications of pathogenicity. Review status: criteria provided, conflicting classifications (1 of 4 stars). 6 submissions from 6 submitters: Pathogenic (2); Likely pathogenic (2); Uncertain significance (2). Last evaluated 2025-08-22.

Conditions:
Usher syndrome type 1D (USH1D). Also called: USHER SYNDROME, TYPE ID. Identifiers: Orphanet 231169, Orphanet 886, MedGen C1832845, MONDO:0010984, OMIM 601067.
Autosomal recessive nonsyndromic hearing loss 12. Also called: DEAFNESS, AUTOSOMAL RECESSIVE 12. Identifiers: Orphanet 90636, MedGen C1832394, MONDO:0011067, OMIM 601386.

Allele frequency attached by ClinVar (database versions not stated): TOPMed 0.00001; gnomAD 0.00003.
gnomAD v4.1: 23 of 1,612,216 alleles (0.0014%); highest among the groups gnomAD compares: East Asian, 0.0022%; no homozygotes.

Submissions (6):

3billion
Classification: Likely pathogenic for Autosomal recessive nonsyndromic hearing loss 12. Last evaluated: 2025-08-22. Review status: criteria provided, single submitter. Criteria: ACMG Guidelines, 2015. Collection method: clinical testing. Allele origin: germline. Affected: yes.
Comment: The variant is observed at an extremely low frequency in the gnomAD v4.1.0 dataset (total allele frequency: 0.001%). Predicted Consequence/Location: Missense variant. The majority of the known disease-causing variants of this gene are variants expected to result in premature termination of the protein. In silico tool predictions suggest damaging effect of the variant on gene or gene product [REVEL: 0.81 (>=0.6, sensitivity 0.68 and specificity 0.92)]. The same nucleotide change resulting in the same amino acid change has been previously reported as pathogenic/likely pathogenic with strong evidence (ClinVar ID: VCV001711085). Therefore, this variant is classified as Likely pathogenic according to the recommendation of ACMG/AMP guideline.

Women's Health and Genetics/Laboratory Corporation of America, LabCorp
Classification: Uncertain significance. Last evaluated: 2025-06-24. Review status: criteria provided, single submitter. Criteria: LabCorp Variant Classification Summary - May 2015. Collection method: clinical testing. Allele origin: germline.
Comment: Variant summary: CDH23 c.2746G>A (p.Asp916Asn) results in a conservative amino acid change located in the Cadherin-like domain (IPR002126) of the encoded protein sequence. Algorithms developed to predict the effect of missense changes on protein structure and function are either unavailable or do not agree on the potential impact of this missense change. The frequency data for this variant in gnomAD is considered unreliable, as metrics indicate poor data quality at this position. c.2746G>A has been observed as homozygous or compound heterozygous genotype in individuals affected with Usher Syndrome (e.g. Wonkam_2022). These data indicate that the variant may be associated with disease. To our knowledge, no experimental evidence demonstrating an impact on protein function has been reported. The following publication has been ascertained in the context of this evaluation (PMID: 35440622). ClinVar contains an entry for this variant (Variation ID: 1711085). Based on the evidence outlined above, the variant was classified as VUS-possibly pathogenic.

GeneDx
Classification: Likely pathogenic. Last evaluated: 2025-01-31. Review status: criteria provided, single submitter. Criteria: GeneDx Variant Classification Process June 2021. Collection method: clinical testing. Allele origin: germline. Affected: yes.
Comment: Not observed at significant frequency in large population cohorts (gnomAD); In silico analysis supports that this missense variant has a deleterious effect on protein structure/function; This variant is associated with the following publications: (PMID: 35440622)

Institute of Rare Diseases, West China Hospital, Sichuan University
Classification: Pathogenic for Usher syndrome type 1D. Last evaluated: 2025-01-09. Review status: criteria provided, single submitter. Criteria: ClinGen HL ACMG Specifications v1. Collection method: research. Allele origin: germline. Affected: yes.

Labcorp Genetics (formerly Invitae), Labcorp
Classification: Pathogenic. Last evaluated: 2024-01-09. Review status: criteria provided, single submitter. Criteria: Invitae Variant Classification Sherloc (09022015). Collection method: clinical testing. Allele origin: germline.
Comment: This sequence change replaces aspartic acid, which is acidic and polar, with asparagine, which is neutral and polar, at codon 916 of the CDH23 protein (p.Asp916Asn). The frequency data for this variant in the population databases is considered unreliable, as metrics indicate poor data quality at this position in the gnomAD database. This missense change has been observed in individual(s) with nonsyndromic deafness (PMID: 35440622). In at least one individual the data is consistent with being in trans (on the opposite chromosome) from a pathogenic variant. It has also been observed to segregate with disease in related individuals. ClinVar contains an entry for this variant (Variation ID: 1711085). Advanced modeling of protein sequence and biophysical properties (such as structural, functional, and spatial information, amino acid conservation, physicochemical variation, residue mobility, and thermodynamic stability) performed at Invitae indicates that this missense variant is expected to disrupt CDH23 protein function with a positive predictive value of 95%. For these reasons, this variant has been classified as Pathogenic.

Foundation for Research in Genetics and Endocrinology, FRIGE's Institute of Human Genetics
Classification: Uncertain significance for Autosomal recessive nonsyndromic hearing loss 12. Review status: criteria provided, single submitter. Criteria: ACMG Guidelines, 2015. Collection method: clinical testing. Allele origin: germline. Inheritance: Autosomal recessive inheritance. Affected: yes. Observed: 1 homozygote.
Comment: A Homozygous missense variation in exon 25 of the CDH23 gene that results in the amino acid substitution of Asparagine for Aspartic acid at codon 913 was detected. The observed variant c.2746G>A (p.Asp913Asn) has not been reported in the 1000 genomes and gnomAD databases. The in silico prediction of the variant are possibly damaging by PolyPhen-2 (HumDiv) and damaging by LRT and MutationTaster2. The reference codon is conserved across species. In summary, the variant meets our criteria to be classified as a variant of uncertain significance.

Literature cited by the submitters: PubMed 35440622 (cited by Women's Health and Genetics/Laboratory Corporation of America, LabCorp and Labcorp Genetics (formerly Invitae), Labcorp).